The following is an entry in ClinVar:

NC_000015.9:g.(?_73614812)_(73660621_?)dup

Gene: HCN4 (hyperpolarization activated cyclic nucleotide gated potassium channel 4; minus strand). Cytogenetic location: 15q24.1.
Variant type: Duplication.
Identifiers: ClinVar variation 1023283 (VCV001023283.1).

ClinVar aggregate classification (germline): Uncertain significance (1 of 4 stars; one submission).

Conditions:
Brugada syndrome 8 (BRGDA8). Identifiers: Orphanet 130, MedGen C2751083, MONDO:0013148, OMIM 613123.

Submission:

Labcorp Genetics (formerly Invitae), Labcorp
Classification: Uncertain significance for Brugada syndrome 8. Last evaluated: 2020-05-12. Review status: criteria provided, single submitter. Criteria: Invitae Variant Classification Sherloc (09022015). Collection method: clinical testing. Allele origin: germline.
Comment: This variant results in a copy number gain of the genomic region encompassing the full coding sequence of the HCN4 gene. The boundaries of this event are unknown as they extend beyond the assayed region for this gene and therefore may encompass additional genes. As the precise location of this event is unknown, it may be in tandem or it may be located elsewhere in the genome. This variant has not been reported in the literature in individuals with HCN4-related conditions. In summary, the available evidence is currently insufficient to determine the role of this variant in disease. Therefore, it has been classified as a Variant of Uncertain Significance.